The following is an entry in ClinVar:

ClinVar aggregate classification (germline): Benign/Likely benign. Review status: criteria provided, multiple submitters, no conflicts (2 of 4 stars). 9 submissions from 9 submitters: Benign (1); Likely benign (7). 1 of the submissions does not count toward it. Last evaluated 2026-02-01.

Conditions:
LRBA-related disorder. Also called: LRBA-related condition.
Combined immunodeficiency due to LRBA deficiency. Also called: Common variable immunodeficiency 8, with autoimmunity. Identifiers: Orphanet 445018, MedGen C3553512, MONDO:0013863, OMIM 614700.

Allele frequency attached by ClinVar (database versions not stated): gnomAD 0.00125 and 0.00127; TOPMed 0.00128; 1000 Genomes Project 0.00140; 1000 Genomes Project 30x 0.00141; ESP Exome Variant Server 0.00161.
gnomAD v4.1: 2,787 of 1,613,704 alleles (0.17%); highest among the groups gnomAD compares: Non-Finnish European, 0.22%; 6 homozygotes.

Submissions (9):

Labcorp Genetics (formerly Invitae), Labcorp
Classification: Likely benign for Combined immunodeficiency due to LRBA deficiency. Last evaluated: 2026-02-01. Review status: criteria provided, single submitter. Criteria: Invitae Variant Classification Sherloc (09022015). Collection method: clinical testing. Allele origin: germline.

Blueprint Genetics
Classification: Likely benign. Last evaluated: 2024-11-20. Review status: criteria provided, single submitter. Criteria: ACMG Guidelines, 2015. Collection method: clinical testing. Allele origin: germline.

ARUP Laboratories, Molecular Genetics and Genomics, ARUP Laboratories
Classification: Likely benign for Combined immunodeficiency due to LRBA deficiency. Last evaluated: 2024-08-12. Review status: criteria provided, single submitter. Criteria: ARUP Molecular Germline Variant Investigation Process 2024. Collection method: clinical testing. Allele origin: germline.

Mayo Clinic Laboratories, Mayo Clinic
Classification: Likely benign. Last evaluated: 2023-11-30. Review status: criteria provided, single submitter. Criteria: ACMG Guidelines, 2015. Collection method: clinical testing. Allele origin: germline. Observed: 8 variant alleles.

CeGaT Center for Human Genetics Tuebingen
Classification: Likely benign. Last evaluated: 2023-10-01. Review status: criteria provided, single submitter. Criteria: CeGaT Center For Human Genetics Tuebingen Variant Classification Criteria Version 2. Collection method: clinical testing. Allele origin: germline. Affected: yes. Observed: 8 variant alleles.
Comment: LRBA: BP4, BP7

Clinical Genetics DNA and cytogenetics Diagnostics Lab, Erasmus MC, Erasmus Medical Center
Classification: Likely benign for Combined immunodeficiency due to LRBA deficiency. Last evaluated: 2017-11-27. Review status: criteria provided, single submitter. Criteria: ACGS Guidelines, 2013. Collection method: clinical testing. Allele origin: germline. Affected: yes. Study: VKGL Data-share Consensus.

Genome Diagnostics Laboratory, University Medical Center Utrecht
Classification: Benign for Combined immunodeficiency due to LRBA deficiency. Last evaluated: 2017-06-02. Review status: criteria provided, single submitter. Criteria: ACGS Guidelines, 2013. Collection method: clinical testing. Allele origin: germline. Affected: yes. Study: VKGL Data-share Consensus.

Breakthrough Genomics
Classification: Likely benign. Review status: criteria provided, single submitter. Criteria: ACMG Guidelines, 2015. Collection method: not provided. Allele origin: germline. Inheritance: Autosomal recessive inheritance. Affected: yes.

PreventionGenetics, part of Exact Sciences
Classification: Likely benign for LRBA-related condition. Last evaluated: 2019-03-14. Review status: no assertion criteria provided. Collection method: clinical testing. Allele origin: germline. Not counted in ClinVar's aggregate classification.
Comment: This variant is classified as likely benign based on ACMG/AMP sequence variant interpretation guidelines (Richards et al. 2015 PMID: 25741868, with internal and published modifications).

NM_001364905.1(LRBA):c.3948A>G (p.Gln1316=)

Gene: LRBA (LPS responsive beige-like anchor protein; minus strand). Cytogenetic location: 4q31.3.
Variant type: single nucleotide variant.
Coding change: c.3948A>G on transcript NM_001364905.1 (MANE Select); coding-DNA position 3948, A replaced by G.
Protein change: p.Gln1316=; no amino-acid change (glutamine 1316 retained).
Molecular consequence: synonymous variant.
Genome position (GRCh38, 1-based): chr4:150,850,780, T>C on the plus strand (A>G on the coding strand, the complement: LRBA is on the minus strand). VCF-style: chr4-150850780-T-C. GRCh37 (hg19) VCF-style: chr4-151771932-T-C.
Other names: p.Gln1316=; c.3948A>G, p.Gln1316= (NM_001199282.3, NM_001367550.1, NM_006726.5).
Identifiers: ClinVar variation 522232 (VCV000522232.54), dbSNP rs35154927, ClinGen allele CA3102944.